The following is an entry in ClinVar:

ClinVar aggregate classification (germline): Uncertain significance (1 of 4 stars; one submission).

gnomAD v4.1: 20 of 1,613,870 alleles (0.0012%); highest among the groups gnomAD compares: Admixed American, 0.033%; no homozygotes.

Submission:

Labcorp Genetics (formerly Invitae), Labcorp
Classification: Uncertain significance. Last evaluated: 2024-12-24. Review status: criteria provided, single submitter. Criteria: Invitae Variant Classification Sherloc (09022015). Collection method: clinical testing. Allele origin: germline.
Comment: This sequence change replaces arginine, which is basic and polar, with leucine, which is neutral and non-polar, at codon 2726 of the FAT1 protein (p.Arg2726Leu). This variant is present in population databases (no rsID available, gnomAD 0.02%). This variant has not been reported in the literature in individuals affected with FAT1-related conditions. An algorithm developed to predict the effect of missense changes on protein structure and function (PolyPhen-2) suggests that this variant is likely to be tolerated. In summary, the available evidence is currently insufficient to determine the role of this variant in disease. Therefore, it has been classified as a Variant of Uncertain Significance.

NM_005245.4(FAT1):c.8177G>T (p.Arg2726Leu)

Gene: FAT1 (FAT atypical cadherin 1; minus strand). Cytogenetic location: 4q35.2.
Variant type: single nucleotide variant.
Coding change: c.8177G>T on transcript NM_005245.4 (MANE Select); coding-DNA position 8177, G replaced by T.
Protein change: p.Arg2726Leu; replaces arginine 2726 with leucine.
Molecular consequence: missense variant.
Genome position (GRCh38, 1-based): chr4:186,618,409, C>A on the plus strand (G>T on the coding strand, the complement: FAT1 is on the minus strand). VCF-style: chr4-186618409-C-A. GRCh37 (hg19) VCF-style: chr4-187539563-C-A.
Other names: short protein forms R2726L.
Identifiers: ClinVar variation 3625925 (VCV003625925.2).
Genomic context (GRCh38, chr4:186,618,409, plus strand): 5'-TTGCTTTCTGGAGTATTCCCTTTGACCAGGCTGTAAAGAACAGTCCCACTATGTTCTGCT[C>A]GGATGAGATCTATCTCTGTTCCAATAGGCACGTCCTCTGACACTGTAAAGGTATAGAAAG-3'
Protein context (NP_005236.2, residues 2716-2736): VPIGTEIDLI[Arg2726Leu]AEHSGTVLYS